The following is an entry in ClinVar:

NM_001039548.3(KLHL35):c.606G>C (p.Leu202=)

Gene: KLHL35 (kelch like family member 35; minus strand). Cytogenetic location: 11q13.4.
Variant type: single nucleotide variant.
Coding change: c.606G>C on transcript NM_001039548.3 (MANE Select); coding-DNA position 606, G replaced by C.
Protein change: p.Leu202=; no amino-acid change (leucine 202 retained).
Molecular consequence: synonymous variant.
Genome position (GRCh38, 1-based): chr11:75,430,024, C>G on the plus strand (G>C on the coding strand, the complement: KLHL35 is on the minus strand). VCF-style: chr11-75430024-C-G. GRCh37 (hg19) VCF-style: chr11-75141069-C-G.
Identifiers: ClinVar variation 2642154 (VCV002642154.24), dbSNP rs928976870, ClinGen allele CA224682496.
Genomic context (GRCh38, chr11:75,430,024, plus strand): 5'-GCGCATGGCCGCTTCAAACACGGCCTCCTCGCGCGCCACGCCCAGCGCGGGGTCCGCCAG[C>G]AGCGCCACCACCTCGTCAGGCGCCAGCTCCAGGAAGTCGGCGTGGCGCGCCACCTCGGCG-3'
Protein context (NP_001034637.2, residues 192-212): LELAPDEVVA[Leu202=]LADPALGVAR

ClinVar aggregate classification (germline): Likely benign (1 of 4 stars; one submission).

Allele frequency attached by ClinVar (database versions not stated): gnomAD exomes 0.00001; TOPMed 0.00002; gnomAD 0.00003.

Submission:

CeGaT Center for Human Genetics Tuebingen
Classification: Likely benign. Last evaluated: 2022-05-01. Review status: criteria provided, single submitter. Criteria: CeGaT Center For Human Genetics Tuebingen Variant Classification Criteria Version 2. Collection method: clinical testing. Allele origin: germline. Affected: yes. Observed: 1 variant allele.
Comment: KLHL35: BP4, BP7